The following is an entry in ClinVar:

NM_001197104.2(KMT2A):c.2982_2984del (p.Ser997del)

Gene: KMT2A (lysine methyltransferase 2A; plus strand). Cytogenetic location: 11q23.3.
Variant type: Deletion.
Coding change: c.2982_2984del on transcript NM_001197104.2 (MANE Select); coding-DNA positions 2982 to 2984, 3 bases deleted (TTC; older notation c.2982_2984delTTC).
Protein change: p.Ser997del; deletes serine 997.
Molecular consequence: inframe deletion.
Genome position (GRCh38, 1-based): chr11:118,474,141-118,474,143, TTC deleted; deleting any 3 consecutive bases within chr11:118,474,140-118,474,143 gives the same sequence; the c. name uses the placement nearest the transcript's 3' end. VCF-style (leftmost placement, unchanged base first): chr11-118474139-CCTT-C. GRCh37 (hg19) VCF-style: chr11-118344854-CCTT-C.
Other names: c.2982_2984del, p.Ser997del (NM_005933.4); short protein forms S997del.
Identifiers: ClinVar variation 376864 (VCV000376864.6), dbSNP rs1057520073, ClinGen allele CA16603190.

ClinVar aggregate classification (germline): Conflicting classifications of pathogenicity. Review status: criteria provided, conflicting classifications (1 of 4 stars). 3 submissions from 3 submitters: Uncertain significance (2); Likely benign (1). Last evaluated 2024-08-04.

Submissions (3):

Labcorp Genetics (formerly Invitae), Labcorp
Classification: Uncertain significance. Last evaluated: 2024-08-04. Review status: criteria provided, single submitter. Criteria: Invitae Variant Classification Sherloc (09022015). Collection method: clinical testing. Allele origin: germline.
Comment: This variant, c.2982_2984del, results in the deletion of 1 amino acid(s) of the KMT2A protein (p.Ser997del), but otherwise preserves the integrity of the reading frame. This variant is present in population databases (no rsID available, gnomAD 0.007%). This variant has not been reported in the literature in individuals affected with KMT2A-related conditions. ClinVar contains an entry for this variant (Variation ID: 376864). Experimental studies and prediction algorithms are not available or were not evaluated, and the functional significance of this variant is currently unknown. In summary, the available evidence is currently insufficient to determine the role of this variant in disease. Therefore, it has been classified as a Variant of Uncertain Significance.

Blueprint Genetics
Classification: Likely benign. Last evaluated: 2022-11-01. Review status: criteria provided, single submitter. Criteria: ACMG Guidelines, 2015. Collection method: clinical testing. Allele origin: germline.

Center for Pediatric Genomic Medicine, Children's Mercy Hospital and Clinics
Classification: Uncertain significance. Last evaluated: 2016-09-13. Review status: criteria provided, single submitter. Criteria: ACMG Guidelines, 2015. Collection method: clinical testing. Allele origin: germline.
ClinVar note: Converted during submission from Uncertain Significance to Uncertain significance.